The following is an entry in ClinVar:

NM_001849.4(COL6A2):c.272C>T (p.Ala91Val)

Gene: COL6A2 (collagen type VI alpha 2 chain; plus strand). Cytogenetic location: 21q22.3.
Variant type: single nucleotide variant.
Coding change: c.272C>T on transcript NM_001849.4 (MANE Select); coding-DNA position 272, C replaced by T.
Protein change: p.Ala91Val; replaces alanine 91 with valine.
Molecular consequence: missense variant.
Genome position (GRCh38, 1-based): chr21:46,112,135, C>T. VCF-style: chr21-46112135-C-T. GRCh37 (hg19) VCF-style: chr21-47532049-C-T.
Other names: c.272C>T, p.Ala91Val (NM_058174.3, NM_058175.3); short protein forms A91V.
Identifiers: ClinVar variation 834550 (VCV000834550.10), dbSNP rs201842315, ClinGen allele CA10071251.
Genomic context (GRCh38, chr21:46,112,135, plus strand): 5'-AGCAGTTCGTGCCGCAGTTCATCAGCCAGCTGCAGAACGAGTTCTACCTGGACCAGGTGG[C>T]GCTGAGCTGGCGCTACGGCGGCCTGCACTTCTCTGACCAGGTGGAGGTGTTCAGCCCACC-3'
Protein context (NP_001840.3, residues 81-101): LQNEFYLDQV[Ala91Val]LSWRYGGLHF

ClinVar aggregate classification (germline): Uncertain significance (1 of 4 stars; one submission).

Conditions:
Bethlem myopathy 1A. Also called: MYOPATHY, BENIGN CONGENITAL, WITH CONTRACTURES; Bethlem Muscular Dystrophy; Bethlem myopathy 1. Identifiers: Orphanet 610, MedGen CN029274, MONDO:0024530, OMIM 158810.

Allele frequency attached by ClinVar (database versions not stated): gnomAD 0.00001; gnomAD exomes 0.00002; TOPMed 0.00002; ExAC 0.00003; 1000 Genomes Project 30x 0.00016; 1000 Genomes Project 0.00020.

Submission:

Labcorp Genetics (formerly Invitae), Labcorp
Classification: Uncertain significance for Bethlem myopathy 1A. Last evaluated: 2025-12-20. Review status: criteria provided, single submitter. Criteria: Invitae Variant Classification Sherloc (09022015). Collection method: clinical testing. Allele origin: germline.
Comment: This sequence change replaces alanine, which is neutral and non-polar, with valine, which is neutral and non-polar, at codon 91 of the COL6A2 protein (p.Ala91Val). This variant is present in population databases (rs201842315, gnomAD 0.01%). This variant has not been reported in the literature in individuals affected with COL6A2-related conditions. ClinVar contains an entry for this variant (Variation ID: 834550). Invitae Evidence Modeling of protein sequence and biophysical properties (such as structural, functional, and spatial information, amino acid conservation, physicochemical variation, residue mobility, and thermodynamic stability) indicates that this missense variant is not expected to disrupt COL6A2 protein function with a negative predictive value of 80%. In summary, the available evidence is currently insufficient to determine the role of this variant in disease. Therefore, it has been classified as a Variant of Uncertain Significance.